The following is an entry in ClinVar:

NM_000836.4(GRIN2D):c.2314G>A (p.Gly772Ser)

Gene: GRIN2D (glutamate ionotropic receptor NMDA type subunit 2D; plus strand). Cytogenetic location: 19q13.33.
Variant type: single nucleotide variant.
Coding change: c.2314G>A on transcript NM_000836.4 (MANE Select); coding-DNA position 2314, G replaced by A.
Protein change: p.Gly772Ser; replaces glycine 772 with serine.
Molecular consequence: missense variant.
Genome position (GRCh38, 1-based): chr19:48,441,830, G>A. VCF-style: chr19-48441830-G-A. GRCh37 (hg19) VCF-style: chr19-48945087-G-A.
Other names: short protein forms G772S.
Identifiers: ClinVar variation 1461391 (VCV001461391.8), dbSNP rs1971295987, ClinGen allele CA406669533.

ClinVar aggregate classification (germline): Uncertain significance (1 of 4 stars; one submission).

Allele frequency attached by ClinVar (database versions not stated): TOPMed below 0.00001; gnomAD exomes 0.00002.
gnomAD v4.1: 13 of 1,614,020 alleles (0.00081%); highest among the groups gnomAD compares: Non-Finnish European, 0.0011%; no homozygotes.

Submission:

Labcorp Genetics (formerly Invitae), Labcorp
Classification: Uncertain significance. Last evaluated: 2023-05-19. Review status: criteria provided, single submitter. Criteria: Invitae Variant Classification Sherloc (09022015). Collection method: clinical testing. Allele origin: germline.
Comment: In summary, the available evidence is currently insufficient to determine the role of this variant in disease. Therefore, it has been classified as a Variant of Uncertain Significance. Advanced modeling of protein sequence and biophysical properties (such as structural, functional, and spatial information, amino acid conservation, physicochemical variation, residue mobility, and thermodynamic stability) performed at Invitae indicates that this missense variant is not expected to disrupt GRIN2D protein function. ClinVar contains an entry for this variant (Variation ID: 1461391). This variant has not been reported in the literature in individuals affected with GRIN2D-related conditions. This variant is not present in population databases (gnomAD no frequency). This sequence change replaces glycine, which is neutral and non-polar, with serine, which is neutral and polar, at codon 772 of the GRIN2D protein (p.Gly772Ser).